The following is an entry in ClinVar:

NM_201384.3(PLEC):c.11633C>T (p.Ser3878Leu)

Gene: PLEC (plectin; minus strand). Cytogenetic location: 8q24.3.
Variant type: single nucleotide variant.
Coding change: c.11633C>T on transcript NM_201384.3 (MANE Select); coding-DNA position 11633, C replaced by T.
Protein change: p.Ser3878Leu; replaces serine 3878 with leucine.
Molecular consequence: missense variant.
Genome position (GRCh38, 1-based): chr8:143,918,188, G>A on the plus strand (C>T on the coding strand, the complement: PLEC is on the minus strand). VCF-style: chr8-143918188-G-A. GRCh37 (hg19) VCF-style: chr8-144992356-G-A.
Other names: c.11714C>T, p.Ser3905Leu (NM_000445.5); c.11591C>T, p.Ser3864Leu (NM_201378.4); c.11567C>T, p.Ser3856Leu (NM_201379.3); c.12044C>T, p.Ser4015Leu (NM_201380.4); c.11537C>T, p.Ser3846Leu (NM_201381.3); c.11633C>T, p.Ser3878Leu (NM_201382.4); c.11645C>T, p.Ser3882Leu (NM_201383.3); c.11714C>T (NM_000445.3); short protein forms S3846L, S3856L, S3878L, S3882L, S3905L, S3864L, S4015L.
Identifiers: ClinVar variation 665714 (VCV000665714.49), dbSNP rs782567022, ClinGen allele CA4924284.

ClinVar aggregate classification (germline): Uncertain significance. Review status: criteria provided, multiple submitters, no conflicts (2 of 4 stars). 3 submissions from 3 submitters: Uncertain significance (3). Last evaluated 2025-11-24.

Conditions:
Inborn genetic diseases. Identifiers: MedGen C0950123, MeSH D030342.
Autosomal recessive limb-girdle muscular dystrophy type 2Q (LGMDR17). Also called: MUSCULAR DYSTROPHY, LIMB-GIRDLE, AUTOSOMAL RECESSIVE 17. Identifiers: Orphanet 254361, MedGen C3150989, MONDO:0013390, OMIM 613723.
Epidermolysis bullosa simplex with nail dystrophy (EBS5D). Identifiers: MedGen C4225309, MONDO:0014661, OMIM 616487.
Epidermolysis bullosa simplex 5B, with muscular dystrophy (EBS5B). Also called: Epidermolysis bullosa simplex with muscular dystrophy; EPIDERMOLYSIS BULLOSA SIMPLEX AND LIMB-GIRDLE MUSCULAR DYSTROPHY. Identifiers: Orphanet 257, MedGen C2931072, MONDO:0009181, OMIM 226670.
Epidermolysis bullosa simplex, Ogna type (EBS5A). Also called: EPIDERMOLYSIS BULLOSA SIMPLEX 5A, OGNA TYPE; Pidermolysis bullosa simplex 5A, Ogna type. Identifiers: Orphanet 79401, MedGen C0432317, MONDO:0007555, OMIM 131950.
Epidermolysis bullosa simplex 5C, with pyloric atresia (EBS5C). Also called: PLEC-Related Epidermolysis Bullosa with Pyloric Atresia; PLEC1-Related Epidermolysis Bullosa with Pyloric Atresia; Epidermolysis bullosa simplex with pyloric atresia. Identifiers: Orphanet 158684, MedGen C2677349, MONDO:0012807, OMIM 612138.

Allele frequency attached by ClinVar (database versions not stated): gnomAD 0.00003; ExAC 0.00004; TOPMed 0.00005; gnomAD exomes 0.00009.
gnomAD v4.1: 53 of 1,591,774 alleles (0.0033%); highest among the groups gnomAD compares: Admixed American, 0.033%; no homozygotes.

Submissions (3):

Labcorp Genetics (formerly Invitae), Labcorp
Classification: Uncertain significance for Autosomal recessive limb-girdle muscular dystrophy type 2Q; Epidermolysis bullosa simplex, Ogna type; Epidermolysis bullosa simplex with nail dystrophy; Epidermolysis bullosa simplex 5C, with pyloric atresia; Epidermolysis bullosa simplex 5B, with muscular dystrophy. Last evaluated: 2025-11-24. Review status: criteria provided, single submitter. Criteria: Invitae Variant Classification Sherloc (09022015). Collection method: clinical testing. Allele origin: germline.
Comment: This sequence change replaces serine, which is neutral and polar, with leucine, which is neutral and non-polar, at codon 3905 of the PLEC protein (p.Ser3905Leu). This variant is present in population databases (rs782567022, gnomAD 0.04%). This variant has not been reported in the literature in individuals affected with PLEC-related conditions. ClinVar contains an entry for this variant (Variation ID: 665714). An algorithm developed to predict the effect of missense changes on protein structure and function (PolyPhen-2) suggests that this variant is likely to be disruptive. In summary, the available evidence is currently insufficient to determine the role of this variant in disease. Therefore, it has been classified as a Variant of Uncertain Significance.

Ambry Genetics
Classification: Uncertain significance for Inborn genetic diseases. Last evaluated: 2025-11-08. Review status: criteria provided, single submitter. Criteria: Ambry Variant Classification Scheme 2023. Collection method: clinical testing. Allele origin: germline.

CeGaT Center for Human Genetics Tuebingen
Classification: Uncertain significance. Last evaluated: 2018-02-01. Review status: criteria provided, single submitter. Criteria: CeGaT Center For Human Genetics Tuebingen Variant Classification Criteria Version 2. Collection method: clinical testing. Allele origin: germline. Affected: yes. Observed: 1 variant allele.